The following is an entry in ClinVar:

ClinVar aggregate classification (germline): Pathogenic (1 of 4 stars; one submission).

Conditions:
Hereditary cancer-predisposing syndrome. Also called: Hereditary Cancer Syndrome; Hereditary neoplastic syndrome; Neoplastic Syndromes, Hereditary; Tumor predisposition. Identifiers: Orphanet 140162, MedGen C0027672, MeSH D009386, MONDO:0015356.

Submission:

Ambry Genetics
Classification: Pathogenic for Hereditary cancer-predisposing syndrome. Last evaluated: 2021-05-14. Review status: criteria provided, single submitter. Criteria: Ambry Variant Classification Scheme 2023. Collection method: clinical testing. Allele origin: germline.
Comment: The c.128dupC pathogenic mutation, located in coding exon 1 of the RB1 gene, results from a duplication of C at nucleotide position 128, causing a translational frameshift with a predicted alternate stop codon (p.L44Sfs*5). This mutation has been identified in multiple individuals with features consistent with hereditary retinobastoma (Houdayer C et al. Hum Mutat, 2004 Feb;23:193-202; Ambry internal data). In addition, this alteration is expected to result in loss of function by premature protein truncation or nonsense-mediated mRNA decay. As such, this alteration is interpreted as a disease-causing mutation.

Literature cited by the submitters: PubMed 14722923.

NM_000321.3(RB1):c.128dup (p.Leu44fs)

Gene: RB1 (RB transcriptional corepressor 1; plus strand). Cytogenetic location: 13q14.2.
Variant type: Duplication.
Coding change: c.128dup on transcript NM_000321.3 (MANE Select); coding-DNA position 128, one base duplicated (C; older notation c.128dupC).
Protein change: p.Leu44fs; shifts the reading frame from leucine 44.
Molecular consequence: frameshift variant.
Genome position (GRCh38, 1-based): chr13:48,304,040, C duplicated; the last of 2 consecutive C bases (chr13:48,304,039-48,304,040); duplicating either gives the same sequence. VCF-style (leftmost placement, unchanged base first): chr13-48304038-G-GC. GRCh37 (hg19) VCF-style: chr13-48878174-G-GC.
Other names: c.128dup, p.Leu44Serfs (NM_001407165.1, NM_001407166.1, NM_001407167.1); c.128dupC (NM_000321.2); short protein forms L44fs.
Identifiers: ClinVar variation 1769066 (VCV001769066.2), dbSNP rs2542094478, ClinGen allele CA2580087728.